The following is an entry in ClinVar:

ClinVar aggregate classification (germline): Conflicting classifications of pathogenicity. Review status: criteria provided, conflicting classifications (1 of 4 stars). 2 submissions from 2 submitters: Likely pathogenic (1); Uncertain significance (1). Last evaluated 2024-02-12.

Conditions:
Ethylmalonic encephalopathy (EE). Also called: EPEMA syndrome; Encephalopathy, petechiae, and ethylmalonic aciduria; Syndrome of encephalopathy, petechiae, and ethylmalonic aciduria. Identifiers: Orphanet 51188, MedGen C1865349, MONDO:0011229, OMIM 602473. Disease mechanism: loss of function.

Allele frequency attached by ClinVar (database versions not stated): TOPMed 0.00002.
gnomAD v4.1: 1 of 1,603,540 alleles (0.000062%); no homozygotes.

Submissions (2):

Fulgent Genetics
Classification: Likely pathogenic for Ethylmalonic encephalopathy. Last evaluated: 2024-02-12. Review status: criteria provided, single submitter. Criteria: ACMG Guidelines, 2015. Collection method: clinical testing. Allele origin: germline.

Labcorp Genetics (formerly Invitae), Labcorp
Classification: Uncertain significance for Ethylmalonic encephalopathy. Last evaluated: 2021-08-31. Review status: criteria provided, single submitter. Criteria: Invitae Variant Classification Sherloc (09022015). Collection method: clinical testing. Allele origin: germline.
Comment: This sequence change replaces aspartic acid with valine at codon 196 of the ETHE1 protein (p.Asp196Val). The aspartic acid residue is highly conserved and there is a large physicochemical difference between aspartic acid and valine. This variant is not present in population databases (ExAC no frequency). This variant has not been reported in the literature in individuals affected with ETHE1-related conditions. Algorithms developed to predict the effect of missense changes on protein structure and function are either unavailable or do not agree on the potential impact of this missense change (SIFT: "Deleterious"; PolyPhen-2: "Probably Damaging"; Align-GVGD: "Class C0"). In summary, the available evidence is currently insufficient to determine the role of this variant in disease. Therefore, it has been classified as a Variant of Uncertain Significance.

NM_014297.5(ETHE1):c.587A>T (p.Asp196Val)

Gene: ETHE1 (ETHE1 persulfide dioxygenase; minus strand). Cytogenetic location: 19q13.31.
Variant type: single nucleotide variant.
Coding change: c.587A>T on transcript NM_014297.5 (MANE Select); coding-DNA position 587, A replaced by T.
Protein change: p.Asp196Val; replaces aspartic acid 196 with valine.
Molecular consequence: missense variant.
Genome position (GRCh38, 1-based): chr19:43,508,783, T>A on the plus strand (A>T on the coding strand, the complement: ETHE1 is on the minus strand). VCF-style: chr19-43508783-T-A. GRCh37 (hg19) VCF-style: chr19-44012935-T-A.
Other names: c.554A>T, p.Asp185Val (NM_001320867.2); c.218A>T, p.Asp73Val (NM_001320868.2); c.293A>T, p.Asp98Val (NM_001320869.2); short protein forms D73V, D185V, D196V, D98V.
Identifiers: ClinVar variation 969644 (VCV000969644.7), dbSNP rs1008232313, ClinGen allele CA308741522.
Genomic context (GRCh38, chr19:43,508,783, plus strand): 5'-ACTCCACTTTCAAAGTTATGTACGCCCCACACCTCTTCCAGGAAGCCCTCACCATGGTAA[T>A]CGTGAGCAGGGTAGATCAGACAGTCTCCTGGAAGTGTGAAGATCTTTTCATGGACCGAGT-3'
Protein context (NP_055112.2, residues 186-206): PGDCLIYPAH[Asp196Val]YHGFTVSTVE